The following is an entry in ClinVar:

ClinVar aggregate classification (germline): Uncertain significance (1 of 4 stars; one submission).

Conditions:
Immunodeficiency 104. Also called: SCID, AUTOSOMAL RECESSIVE, T CELL-NEGATIVE, B CELL-POSITIVE, NK CELL-POSITIVE; Severe combined immunodeficiency, autosomal recessive, T cell-negative, B cell-positive, NK cell-positive; IMMUNODEFICIENCY 104, SEVERE COMBINED; Severe Combined Immune Deficiency, Autosomal Recessive, TCell -Negative, B Cell-Positive, NK Cell-Positive, IL7R-Related. Identifiers: MedGen C5676890, MONDO:0012163, OMIM 608971.

Allele frequency attached by ClinVar (database versions not stated): gnomAD exomes below 0.00001.
gnomAD v4.1: 20 of 1,612,394 alleles (0.0012%); highest among the groups gnomAD compares: Non-Finnish European, 0.0017%; no homozygotes.

Submission:

Labcorp Genetics (formerly Invitae), Labcorp
Classification: Uncertain significance for Immunodeficiency 104. Last evaluated: 2024-10-16. Review status: criteria provided, single submitter. Criteria: Invitae Variant Classification Sherloc (09022015). Collection method: clinical testing. Allele origin: germline.
Comment: This sequence change replaces threonine, which is neutral and polar, with lysine, which is basic and polar, at codon 1093 of the PTPRC protein (p.Thr1093Lys). This variant is present in population databases (no rsID available, gnomAD 0.0009%). This variant has not been reported in the literature in individuals affected with PTPRC-related conditions. ClinVar contains an entry for this variant (Variation ID: 1410286). An algorithm developed to predict the effect of missense changes on protein structure and function (PolyPhen-2) suggests that this variant is likely to be disruptive. In summary, the available evidence is currently insufficient to determine the role of this variant in disease. Therefore, it has been classified as a Variant of Uncertain Significance.

NM_002838.5(PTPRC):c.3278C>A (p.Thr1093Lys)

Gene: PTPRC (protein tyrosine phosphatase receptor type C; plus strand). Cytogenetic location: 1q32.1.
Variant type: single nucleotide variant.
Coding change: c.3278C>A on transcript NM_002838.5 (MANE Select); coding-DNA position 3278, C replaced by A.
Protein change: p.Thr1093Lys; replaces threonine 1093 with lysine.
Molecular consequence: missense variant.
Genome position (GRCh38, 1-based): chr1:198,752,319, C>A. VCF-style: chr1-198752319-C-A. GRCh37 (hg19) VCF-style: chr1-198721448-C-A.
Other names: c.2795C>A, p.Thr932Lys (NM_080921.4); short protein forms T932K, T1093K.
Identifiers: ClinVar variation 1410286 (VCV001410286.6), dbSNP rs984089455, ClinGen allele CA344054382.